The following is an entry in ClinVar:

ClinVar aggregate classification (germline): Uncertain significance. Review status: criteria provided, multiple submitters, no conflicts (2 of 4 stars). 2 submissions from 2 submitters: Uncertain significance (2). Last evaluated 2025-08-29.

Conditions:
Spondyloepiphyseal dysplasia with congenital joint dislocations (SEDCJD). Also called: Chondrodysplasia with Congenital Joint Dislocations, CHST3-Related. Identifiers: Orphanet 263463, MedGen C1837657, MONDO:0007738, OMIM 143095.
Inborn genetic diseases. Identifiers: MedGen C0950123, MeSH D030342.

Allele frequency attached by ClinVar (database versions not stated): gnomAD exomes below 0.00001; gnomAD 0.00001; TOPMed 0.00001.
gnomAD v4.1: 5 of 1,607,054 alleles (0.00031%); highest among the groups gnomAD compares: Non-Finnish European, 0.00042%; no homozygotes.

Submissions (2):

Ambry Genetics
Classification: Uncertain significance for Inborn genetic diseases. Last evaluated: 2025-08-29. Review status: criteria provided, single submitter. Criteria: Ambry Variant Classification Scheme 2023. Collection method: clinical testing. Allele origin: germline.

Labcorp Genetics (formerly Invitae), Labcorp
Classification: Uncertain significance for Spondyloepiphyseal dysplasia with congenital joint dislocations. Last evaluated: 2024-06-25. Review status: criteria provided, single submitter. Criteria: Invitae Variant Classification Sherloc (09022015). Collection method: clinical testing. Allele origin: germline.
Comment: This sequence change replaces glycine, which is neutral and non-polar, with alanine, which is neutral and non-polar, at codon 177 of the CHST3 protein (p.Gly177Ala). This variant is not present in population databases (gnomAD no frequency). This variant has not been reported in the literature in individuals affected with CHST3-related conditions. ClinVar contains an entry for this variant (Variation ID: 2176177). Advanced modeling of protein sequence and biophysical properties (such as structural, functional, and spatial information, amino acid conservation, physicochemical variation, residue mobility, and thermodynamic stability) performed at Invitae indicates that this missense variant is not expected to disrupt CHST3 protein function with a negative predictive value of 80%. In summary, the available evidence is currently insufficient to determine the role of this variant in disease. Therefore, it has been classified as a Variant of Uncertain Significance.

NM_004273.5(CHST3):c.530G>C (p.Gly177Ala)

Gene: CHST3 (carbohydrate sulfotransferase 3; plus strand). Cytogenetic location: 10q22.1.
Variant type: single nucleotide variant.
Coding change: c.530G>C on transcript NM_004273.5 (MANE Select); coding-DNA position 530, G replaced by C.
Protein change: p.Gly177Ala; replaces glycine 177 with alanine.
Molecular consequence: missense variant.
Genome position (GRCh38, 1-based): chr10:72,007,561, G>C. VCF-style: chr10-72007561-G-C. GRCh37 (hg19) VCF-style: chr10-73767319-G-C.
Other names: c.530G>C (NM_004273.4); short protein forms G177A.
Identifiers: ClinVar variation 2176177 (VCV002176177.4), dbSNP rs1217900643, ClinGen allele CA377144421.
Genomic context (GRCh38, chr10:72,007,561, plus strand): 5'-ACATCTTCTACCTCTTCGAGCCGCTGTGGCACATCGAGCGCACAGTGTCCTTCGAGCCGG[G>C]GGGCGCCAACGCCGCGGGCTCGGCCCTGGTGTACCGCGACGTGCTCAAGCAGCTCTTCCT-3'
Protein context (NP_004264.2, residues 167-187): HIERTVSFEP[Gly177Ala]GANAAGSALV